The following is an entry in ClinVar:

ClinVar aggregate classification (germline): Uncertain significance (1 of 4 stars; one submission).

Submission:

GeneDx
Classification: Uncertain significance. Last evaluated: 2025-07-29. Review status: criteria provided, single submitter. Criteria: GeneDx Variant Classification Process June 2021. Collection method: clinical testing. Allele origin: germline. Affected: yes.
Comment: Not observed at significant frequency in large population cohorts (gnomAD); In silico analysis supports that this missense variant has a deleterious effect on protein structure/function; This substitution is predicted to be within the transmembrane segment S6 of the first homologous domain; Has not been previously published as pathogenic or benign to our knowledge

NM_001165963.4(SCN1A):c.1255C>G (p.Leu419Val)

Gene: SCN1A (sodium voltage-gated channel alpha subunit 1; minus strand). Cytogenetic location: 2q24.3.
Variant type: single nucleotide variant.
Coding change: c.1255C>G on transcript NM_001165963.4 (MANE Select); coding-DNA position 1255, C replaced by G.
Protein change: p.Leu419Val; replaces leucine 419 with valine.
Molecular consequence: missense variant. On other transcripts: 5 prime UTR variant (1), non-coding transcript variant (1).
Genome position (GRCh38, 1-based): chr2:166,046,892, G>C on the plus strand (C>G on the coding strand, the complement: SCN1A is on the minus strand). VCF-style: chr2-166046892-G-C. GRCh37 (hg19) VCF-style: chr2-166903402-G-C.
Other names: c.1255C>G, p.Leu419Val (NM_001165964.3, NM_001202435.3, NM_001353948.2 and 10 more transcripts); c.-1171C>G (NM_001353961.2); short protein forms L419V.
Identifiers: ClinVar variation 4689810 (VCV004689810.1).